The following is an entry in ClinVar:

NM_017547.4(FOXRED1):c.532C>T (p.Gln178Ter)

Gene: FOXRED1 (FAD dependent oxidoreductase domain containing 1; plus strand). Cytogenetic location: 11q24.2.
Variant type: single nucleotide variant.
Coding change: c.532C>T on transcript NM_017547.4 (MANE Select); coding-DNA position 532, C replaced by T.
Protein change: p.Gln178Ter; replaces glutamine 178 with a stop codon.
Molecular consequence: nonsense. On other transcripts: non-coding transcript variant (2).
Genome position (GRCh38, 1-based): chr11:126,273,450, C>T. VCF-style: chr11-126273450-C-T. GRCh37 (hg19) VCF-style: chr11-126143345-C-T.
Other names: c.562C>T, p.Gln188Ter (NM_001425160.1); c.532C>T, p.Gln178Ter (NM_001425161.1, NM_001425163.1, NM_001425165.1 and 2 more transcripts); c.529C>T, p.Gln177Ter (NM_001425164.1); c.22C>T, p.Gln8Ter (NM_001425168.1, NM_001425169.1, NM_001425170.1); c.-26C>T (NM_001425171.1, NM_001425172.1); c.-7C>T (NM_001425173.1, NM_001425174.1, NM_001425175.1); short protein forms Q178*, Q188*, Q177*, Q8*.
Identifiers: ClinVar variation 2845647 (VCV002845647.3), dbSNP rs2497179468, ClinGen allele CA383229831.

ClinVar aggregate classification (germline): Pathogenic (1 of 4 stars; one submission).

Submission:

Labcorp Genetics (formerly Invitae), Labcorp
Classification: Pathogenic. Last evaluated: 2023-03-24. Review status: criteria provided, single submitter. Criteria: Invitae Variant Classification Sherloc (09022015). Collection method: clinical testing. Allele origin: germline.
Comment: This variant is not present in population databases (gnomAD no frequency). This variant has not been reported in the literature in individuals affected with FOXRED1-related conditions. For these reasons, this variant has been classified as Pathogenic. This sequence change creates a premature translational stop signal (p.Gln178*) in the FOXRED1 gene. It is expected to result in an absent or disrupted protein product. Loss-of-function variants in FOXRED1 are known to be pathogenic (PMID: 20818383, 20858599).

Literature cited by the submitters: PubMed 20818383; PubMed 20858599.